The following is an entry in ClinVar:

NM_001267550.2(TTN):c.84099T>A (p.Tyr28033Ter)

Genes: TTN (titin; minus strand), TTN-AS1 (TTN antisense RNA 1; plus strand). Cytogenetic location: 2q31.2.
Variant type: single nucleotide variant.
Coding change: c.84099T>A on transcript NM_001267550.2 (MANE Select); coding-DNA position 84099, T replaced by A.
Protein change: p.Tyr28033Ter; replaces tyrosine 28033 with a stop codon.
Molecular consequence: nonsense.
Genome position (GRCh38, 1-based): chr2:178,562,033, A>T on the plus strand (T>A on the coding strand, the complement: TTN is on the minus strand). VCF-style: chr2-178562033-A-T. GRCh37 (hg19) VCF-style: chr2-179426760-A-T.
Other names: c.79176T>A, p.Tyr26392Ter (NM_001256850.1); c.56904T>A, p.Tyr18968Ter (NM_003319.4); c.76395T>A, p.Tyr25465Ter (NM_133378.4); c.57279T>A, p.Tyr19093Ter (NM_133432.3); c.57480T>A, p.Tyr19160Ter (NM_133437.4); short protein forms Y25465*, Y28033*, Y18968*, Y19093*, Y19160*, Y26392*.
Identifiers: ClinVar variation 1501964 (VCV001501964.6), dbSNP rs762450131, ClinGen allele CA349562388.
Genomic context (GRCh38, chr2:178,562,033, plus strand): 5'-AAGGACAATTATAGTAATAGGAACTGTTATGGATCCAGCACTGTTTGAAACACATAATTC[A>T]TAAGTTCCAACATCTTCCTTTGAAGCTTCCTTAATAGATAGTGATGTTACAGTCTTTGAA-3'

ClinVar aggregate classification (germline): Likely pathogenic (1 of 4 stars; one submission).

Conditions:
Dilated cardiomyopathy 1G (CMD1G). Identifiers: Orphanet 154, MedGen C1858763, MONDO:0011400, OMIM 604145.
Autosomal recessive limb-girdle muscular dystrophy type 2J (LGMDR10). Also called: MUSCULAR DYSTROPHY, LIMB-GIRDLE, AUTOSOMAL RECESSIVE 10; Limb-girdle muscular dystrophy, type 2J. Identifiers: Orphanet 140922, MedGen C1837342, MONDO:0012127, OMIM 608807.

Submission:

Labcorp Genetics (formerly Invitae), Labcorp
Classification: Likely pathogenic for Dilated cardiomyopathy 1G; Autosomal recessive limb-girdle muscular dystrophy type 2J. Last evaluated: 2021-12-01. Review status: criteria provided, single submitter. Criteria: Invitae Variant Classification Sherloc (09022015). Collection method: clinical testing. Allele origin: germline.
Comment: This variant is not present in population databases (gnomAD no frequency). This sequence change creates a premature translational stop signal (p.Tyr28033*) in the TTN gene. While this is not anticipated to result in nonsense mediated decay, it is expected to create a truncated TTN protein. This variant has not been reported in the literature in individuals affected with TTN-related conditions. This variant is located in the A band of TTN (PMID: 25589632). Truncating variants in this region are significantly overrepresented in patients affected with dilated cardiomyopathy (PMID: 25589632). Truncating variants in this region have also been reported in individuals affected with autosomal recessive centronuclear myopathy (PMID: 23975875). In summary, the currently available evidence indicates that the variant is pathogenic, but additional data are needed to prove that conclusively. Therefore, this variant has been classified as Likely Pathogenic.

Literature cited by the submitters: PubMed 25589632; PubMed 23975875.